The following is an entry in ClinVar:

NM_058174.3(COL6A2):c.2655C>T (p.Thr885=)

Gene: COL6A2 (collagen type VI alpha 2 chain; plus strand). Cytogenetic location: 21q22.3.
Variant type: single nucleotide variant.
Coding change: c.2655C>T on transcript NM_058174.3 (MANE Plus Clinical); coding-DNA position 2655, C replaced by T.
Protein change: p.Thr885=; no amino-acid change (threonine 885 retained).
Molecular consequence: synonymous variant. On other transcripts: 3 prime UTR variant (1), intron variant (1).
Genome position (GRCh38, 1-based): chr21:46,129,389, C>T. VCF-style: chr21-46129389-C-T. GRCh37 (hg19) VCF-style: chr21-47549303-C-T.
Other names: c.*461C>T (NM_058175.3); c.2462-2565C>T (NM_001849.4).
Identifiers: ClinVar variation 3030084 (VCV003030084.2), dbSNP rs373790588, ClinGen allele CA10072811.

ClinVar aggregate classification (germline): Likely benign (0 of 4 stars; one submission).

Conditions:
COL6A2-related disorder.

Allele frequency attached by ClinVar (database versions not stated): TOPMed 0.00006; gnomAD 0.00007; ESP Exome Variant Server 0.00008.
gnomAD v4.1: 168 of 1,612,872 alleles (0.01%); highest among the groups gnomAD compares: Non-Finnish European, 0.013%; no homozygotes.

Submission:

PreventionGenetics, part of Exact Sciences
Classification: Likely benign for COL6A2-related condition. Last evaluated: 2022-10-30. Review status: no assertion criteria provided. Collection method: clinical testing. Allele origin: germline.
Comment: This variant is classified as likely benign based on ACMG/AMP sequence variant interpretation guidelines (Richards et al. 2015 PMID: 25741868, with internal and published modifications).